The following is an entry in ClinVar:

NM_014141.6(CNTNAP2):c.2855G>A (p.Arg952Lys)

Genes: CNTNAP2 (contactin associated protein 2; plus strand), LOC126860216 (BRD4-independent group 4 enhancer GRCh37_chr7:147868766-147869965; plus strand). Cytogenetic location: 7q35.
Variant type: single nucleotide variant.
Coding change: c.2855G>A on transcript NM_014141.6 (MANE Select); coding-DNA position 2855, G replaced by A.
Protein change: p.Arg952Lys; replaces arginine 952 with lysine.
Molecular consequence: missense variant.
Genome position (GRCh38, 1-based): chr7:148,172,323, G>A. VCF-style: chr7-148172323-G-A. GRCh37 (hg19) VCF-style: chr7-147869415-G-A.
Other names: short protein forms R952K.
Identifiers: ClinVar variation 1375785 (VCV001375785.8), dbSNP rs777688879, ClinGen allele CA4546494.

ClinVar aggregate classification (germline): Uncertain significance (1 of 4 stars; one submission).

Conditions:
Cortical dysplasia-focal epilepsy syndrome (PTHSL1). Also called: Pitt-Hopkins-like syndrome 1. Identifiers: Orphanet 163681, Orphanet 221150, MedGen C2750246, MONDO:0012400, OMIM 610042.

Allele frequency attached by ClinVar (database versions not stated): gnomAD exomes 0.00001 and 0.00003; ExAC 0.00004.
gnomAD v4.1: 12 of 1,614,174 alleles (0.00074%); highest among the groups gnomAD compares: Admixed American, 0.0033%; no homozygotes.

Submission:

Labcorp Genetics (formerly Invitae), Labcorp
Classification: Uncertain significance for Cortical dysplasia-focal epilepsy syndrome. Last evaluated: 2022-08-15. Review status: criteria provided, single submitter. Criteria: Invitae Variant Classification Sherloc (09022015). Collection method: clinical testing. Allele origin: germline.
Comment: This variant has not been reported in the literature in individuals affected with CNTNAP2-related conditions. In summary, the available evidence is currently insufficient to determine the role of this variant in disease. Therefore, it has been classified as a Variant of Uncertain Significance. Algorithms developed to predict the effect of missense changes on protein structure and function (SIFT, PolyPhen-2, Align-GVGD) all suggest that this variant is likely to be tolerated. ClinVar contains an entry for this variant (Variation ID: 1375785). This variant is present in population databases (rs777688879, gnomAD 0.006%). This sequence change replaces arginine, which is basic and polar, with lysine, which is basic and polar, at codon 952 of the CNTNAP2 protein (p.Arg952Lys).